The following is an entry in ClinVar:

NM_000702.4(ATP1A2):c.1028C>T (p.Thr343Ile)

Gene: ATP1A2 (ATPase Na+/K+ transporting subunit alpha 2; plus strand). Cytogenetic location: 1q23.2.
Variant type: single nucleotide variant.
Coding change: c.1028C>T on transcript NM_000702.4 (MANE Select); coding-DNA position 1028, C replaced by T.
Protein change: p.Thr343Ile; replaces threonine 343 with isoleucine.
Molecular consequence: missense variant.
Genome position (GRCh38, 1-based): chr1:160,128,662, C>T. VCF-style: chr1-160128662-C-T. GRCh37 (hg19) VCF-style: chr1-160098452-C-T.
Other names: short protein forms T343I.
Identifiers: ClinVar variation 529750 (VCV000529750.10), dbSNP rs1553244875, ClinGen allele CA343239115.
Genomic context (GRCh38, chr1:160,128,662, plus strand): 5'-CATCTCCGGCTTCAGCCTTAACCTTTTTTATTCTCCTCTTTCTCTACCAGGTGTGCCTGA[C>T]CCTGACAGCCAAGCGCATGGCACGGAAGAACTGCCTGGTGAAGAACCTGGAGGCGGTGGA-3'
Protein context (NP_000693.1, residues 333-353): GLLATVTVCL[Thr343Ile]LTAKRMARKN

ClinVar aggregate classification (germline): Conflicting classifications of pathogenicity. Review status: criteria provided, conflicting classifications (1 of 4 stars). 2 submissions from 2 submitters: Pathogenic (1); Uncertain significance (1). Last evaluated 2023-07-27.

Conditions:
Familial hemiplegic migraine. Identifiers: MedGen C0338484, MONDO:0000700.

Submissions (2):

GeneDx
Classification: Pathogenic. Last evaluated: 2023-07-27. Review status: criteria provided, single submitter. Criteria: GeneDx Variant Classification Process June 2021. Collection method: clinical testing. Allele origin: germline. Affected: yes.
Comment: Not observed at significant frequency in large population cohorts (gnomAD); In silico analysis supports that this missense variant has a deleterious effect on protein structure/function; Has not been previously published as pathogenic or benign to our knowledge; This variant is associated with the following publications: (PMID: 18184292)

Labcorp Genetics (formerly Invitae), Labcorp
Classification: Uncertain significance for Familial hemiplegic migraine. Last evaluated: 2020-10-08. Review status: criteria provided, single submitter. Criteria: Invitae Variant Classification Sherloc (09022015). Collection method: clinical testing. Allele origin: germline.
Comment: In summary, the available evidence is currently insufficient to determine the role of this variant in disease. Therefore, it has been classified as a Variant of Uncertain Significance. Algorithms developed to predict the effect of missense changes on protein structure and function (SIFT, PolyPhen-2, Align-GVGD) all suggest that this variant is likely to be disruptive, but these predictions have not been confirmed by published functional studies and their clinical significance is uncertain. This variant has not been reported in the literature in individuals with ATP1A2-related disease. This variant is not present in population databases (ExAC no frequency). This sequence change replaces threonine with isoleucine at codon 343 of the ATP1A2 protein (p.Thr343Ile). The threonine residue is highly conserved and there is a moderate physicochemical difference between threonine and isoleucine.